The following is an entry in ClinVar:

ClinVar aggregate classification (germline): Uncertain significance. Review status: criteria provided, multiple submitters, no conflicts (2 of 4 stars). 3 submissions from 3 submitters: Uncertain significance (3). Last evaluated 2025-11-26.

Conditions:
Oculocutaneous albinism. Identifiers: Orphanet 55, MedGen C0078918, MONDO:0018910.
Inborn genetic diseases. Identifiers: MedGen C0950123, MeSH D030342.

Allele frequency attached by ClinVar (database versions not stated): TOPMed below 0.00001; gnomAD exomes 0.00001.
gnomAD v4.1: 13 of 1,614,088 alleles (0.00081%); highest among the groups gnomAD compares: Non-Finnish European, 0.001%; no homozygotes.

Submissions (3):

Ambry Genetics
Classification: Uncertain significance for Inborn genetic diseases. Last evaluated: 2025-11-26. Review status: criteria provided, single submitter. Criteria: Ambry Variant Classification Scheme 2023. Collection method: clinical testing. Allele origin: germline.

Labcorp Genetics (formerly Invitae), Labcorp
Classification: Uncertain significance. Last evaluated: 2021-08-24. Review status: criteria provided, single submitter. Criteria: Invitae Variant Classification Sherloc (09022015). Collection method: clinical testing. Allele origin: germline.
Comment: This sequence change replaces threonine with isoleucine at codon 155 of the TYR protein (p.Thr155Ile). The threonine residue is moderately conserved and there is a moderate physicochemical difference between threonine and isoleucine. This variant is not present in population databases (ExAC no frequency). This variant has not been reported in the literature in individuals affected with TYR-related conditions. ClinVar contains an entry for this variant (Variation ID: 883342). Advanced modeling of protein sequence and biophysical properties (such as structural, functional, and spatial information, amino acid conservation, physicochemical variation, residue mobility, and thermodynamic stability) performed at Invitae indicates that this missense variant is expected to disrupt TYR protein function. In summary, the available evidence is currently insufficient to determine the role of this variant in disease. Therefore, it has been classified as a Variant of Uncertain Significance.

Illumina Laboratory Services, Illumina
Classification: Uncertain significance for Oculocutaneous albinism. Last evaluated: 2018-01-12. Review status: criteria provided, single submitter. Criteria: ICSL Variant Classification Criteria 13 December 2019. Collection method: clinical testing. Allele origin: germline.

NM_000372.5(TYR):c.464C>T (p.Thr155Ile)

Gene: TYR (tyrosinase; plus strand). Cytogenetic location: 11q14.3.
Variant type: single nucleotide variant.
Coding change: c.464C>T on transcript NM_000372.5 (MANE Select); coding-DNA position 464, C replaced by T.
Protein change: p.Thr155Ile; replaces threonine 155 with isoleucine.
Molecular consequence: missense variant.
Genome position (GRCh38, 1-based): chr11:89,178,417, C>T. VCF-style: chr11-89178417-C-T. GRCh37 (hg19) VCF-style: chr11-88911585-C-T.
Other names: short protein forms T155I.
Identifiers: ClinVar variation 883342 (VCV000883342.9), dbSNP rs920624553, ClinGen allele CA226290467.